The following is an entry in ClinVar:

NM_017882.3(CLN6):c.84-9C>T

Gene: CLN6 (CLN6 transmembrane ER protein; minus strand). Cytogenetic location: 15q23.
Variant type: single nucleotide variant.
Coding change: c.84-9C>T on transcript NM_017882.3 (MANE Select); 9 bases into the intron before coding-DNA position 84, C replaced by T.
Molecular consequence: intron variant.
Genome position (GRCh38, 1-based): chr15:68,218,659, G>A on the plus strand (C>T on the coding strand, the complement: CLN6 is on the minus strand). VCF-style: chr15-68218659-G-A. GRCh37 (hg19) VCF-style: chr15-68510997-G-A.
Identifiers: ClinVar variation 700638 (VCV000700638.9), dbSNP rs778471506, ClinGen allele CA7630718.

ClinVar aggregate classification (germline): Likely benign. Review status: criteria provided, multiple submitters, no conflicts (2 of 4 stars). 2 submissions from 2 submitters: Likely benign (2). Last evaluated 2026-06-22.

Conditions:
CLN6-related disorder. Also called: CLN6-related condition.
Neuronal ceroid lipofuscinosis. Also called: Neuronal Ceroid Lipofuscinoses. Identifiers: Orphanet 216, Orphanet 79263, MedGen C0027877, MONDO:0016295. Disease mechanism: loss of function.

Allele frequency attached by ClinVar (database versions not stated): gnomAD exomes below 0.00001; ExAC 0.00001; gnomAD 0.00002; TOPMed 0.00002.
gnomAD v4.1: 7 of 1,607,058 alleles (0.00044%); highest among the groups gnomAD compares: Non-Finnish European, 0.0006%; no homozygotes.

Submissions (2):

PreventionGenetics, part of Exact Sciences
Classification: Likely benign for CLN6-related condition. Last evaluated: 2026-06-22. Review status: criteria provided, single submitter. Criteria: ACMG Guidelines, 2015. Collection method: clinical testing. Allele origin: germline.
Comment: This variant is classified as likely benign based on ACMG/AMP sequence variant interpretation guidelines (Richards et al. 2015 PMID: 25741868, with internal and published modifications).

Labcorp Genetics (formerly Invitae), Labcorp
Classification: Likely benign for Neuronal ceroid lipofuscinosis. Last evaluated: 2025-03-19. Review status: criteria provided, single submitter. Criteria: Invitae Variant Classification Sherloc (09022015). Collection method: clinical testing. Allele origin: germline.